The following is an entry in ClinVar:

ClinVar aggregate classification (germline): Likely benign. Review status: criteria provided, multiple submitters, no conflicts (2 of 4 stars). 3 submissions from 3 submitters: Likely benign (3). Last evaluated 2024-06-11.

Conditions:
Hypertrophic cardiomyopathy. Also called: HYPERTROPHIC MYOCARDIOPATHY. Identifiers: Orphanet 217569, MedGen C0007194, MeSH D002312, MONDO:0005045, HP:0001639.
Cardiomyopathy (CMYO). Also called: Cardiomyopathies. Identifiers: Orphanet 167848, MedGen C0878544, MONDO:0004994, HP:0001638. Inheritance: Various modes of inheritance.

Allele frequency attached by ClinVar (database versions not stated): gnomAD 0.00001; TOPMed 0.00001.
gnomAD v4.1: 1 of 1,595,268 alleles (0.000063%); highest among the groups gnomAD compares: East Asian, 0.0023%; no homozygotes.

Submissions (3):

All of Us Research Program, National Institutes of Health
Classification: Likely benign for Hypertrophic cardiomyopathy. Last evaluated: 2024-06-11. Review status: criteria provided, single submitter. Criteria: ACMG Guidelines, 2015. Collection method: clinical testing. Allele origin: germline. Inheritance: Autosomal dominant inheritance. Observed: 2 variant alleles, 2 heterozygotes.
Comment: This study involves interpretation of variants in research participants for the purpose of population health screening. Participant phenotype was not available at the time of variant classification. Additional details can be found in publication PMID: 35346344, PMCID: PMC8962531

Labcorp Genetics (formerly Invitae), Labcorp
Classification: Likely benign for Hypertrophic cardiomyopathy. Last evaluated: 2024-01-24. Review status: criteria provided, single submitter. Criteria: Invitae Variant Classification Sherloc (09022015). Collection method: clinical testing. Allele origin: germline.

Color Diagnostics, LLC DBA Color Health
Classification: Likely benign for Cardiomyopathy. Last evaluated: 2022-02-28. Review status: criteria provided, single submitter. Criteria: ACMG Guidelines, 2015. Collection method: clinical testing. Allele origin: germline.

NM_000256.3(MYBPC3):c.1875G>C (p.Leu625=)

Gene: MYBPC3 (myosin binding protein C3; minus strand). Cytogenetic location: 11p11.2.
Variant type: single nucleotide variant.
Coding change: c.1875G>C on transcript NM_000256.3 (MANE Select); coding-DNA position 1875, G replaced by C.
Protein change: p.Leu625=; no amino-acid change (leucine 625 retained).
Molecular consequence: synonymous variant.
Genome position (GRCh38, 1-based): chr11:47,341,160, C>G on the plus strand (G>C on the coding strand, the complement: MYBPC3 is on the minus strand). VCF-style: chr11-47341160-C-G. GRCh37 (hg19) VCF-style: chr11-47362711-C-G.
Identifiers: ClinVar variation 751307 (VCV000751307.12), dbSNP rs1249910550, ClinGen allele CA474218173.